The following is an entry in ClinVar:

ClinVar aggregate classification (germline): Likely benign. Review status: criteria provided, multiple submitters, no conflicts (2 of 4 stars). 4 submissions from 4 submitters: Likely benign (3). 1 of the submissions does not count toward it. Last evaluated 2026-01-26.

Conditions:
RECQL4-related disorder. Also called: RECQL4-related condition; RECQL4-related disorders.
Inborn genetic diseases. Identifiers: MedGen C0950123, MeSH D030342.
Baller-Gerold syndrome (BGS). Also called: CRANIOSYNOSTOSIS WITH RADIAL DEFECTS. Identifiers: Orphanet 1225, MedGen C0265308, MONDO:0009039, OMIM 218600.

Allele frequency attached by ClinVar (database versions not stated): gnomAD exomes 0.00002 and 0.00010; ExAC 0.00004; gnomAD 0.00004; TOPMed 0.00005.
gnomAD v4.1: 150 of 1,611,158 alleles (0.0093%); highest among the groups gnomAD compares: Non-Finnish European, 0.012%; no homozygotes.

Submissions (4):

Labcorp Genetics (formerly Invitae), Labcorp
Classification: Likely benign for Baller-Gerold syndrome. Last evaluated: 2026-01-26. Review status: criteria provided, single submitter. Criteria: Invitae Variant Classification Sherloc (09022015). Collection method: clinical testing. Allele origin: germline.

Ambry Genetics
Classification: Likely benign for Inborn genetic diseases. Last evaluated: 2024-11-25. Review status: criteria provided, single submitter. Criteria: Ambry Variant Classification Scheme 2023. Collection method: clinical testing. Allele origin: germline.

Blueprint Genetics
Classification: Likely benign. Last evaluated: 2021-09-09. Review status: criteria provided, single submitter. Criteria: ACMG Guidelines, 2015. Collection method: clinical testing. Allele origin: germline.

PreventionGenetics, part of Exact Sciences
Classification: Likely benign for RECQL4-related condition. Last evaluated: 2021-12-31. Review status: no assertion criteria provided. Collection method: clinical testing. Allele origin: germline. Not counted in ClinVar's aggregate classification.
Comment: This variant is classified as likely benign based on ACMG/AMP sequence variant interpretation guidelines (Richards et al. 2015 PMID: 25741868, with internal and published modifications).

NM_004260.4(RECQL4):c.1617C>T (p.Asp539=)

Gene: RECQL4 (RecQ like helicase 4; minus strand). Cytogenetic location: 8q24.3.
Variant type: single nucleotide variant.
Coding change: c.1617C>T on transcript NM_004260.4 (MANE Select); coding-DNA position 1617, C replaced by T.
Protein change: p.Asp539=; no amino-acid change (aspartic acid 539 retained).
Molecular consequence: synonymous variant.
Genome position (GRCh38, 1-based): chr8:144,514,939, G>A on the plus strand (C>T on the coding strand, the complement: RECQL4 is on the minus strand). VCF-style: chr8-144514939-G-A. GRCh37 (hg19) VCF-style: chr8-145740323-G-A.
Other names: c.1617C>T (NM_004260.3).
Identifiers: ClinVar variation 1161893 (VCV001161893.11), dbSNP rs778916021, ClinGen allele CA4948782.